The following is an entry in ClinVar:

NM_201384.3(PLEC):c.1089G>A (p.Pro363=)

Gene: PLEC (plectin; minus strand). Cytogenetic location: 8q24.3.
Variant type: single nucleotide variant.
Coding change: c.1089G>A on transcript NM_201384.3 (MANE Select); coding-DNA position 1089, G replaced by A.
Protein change: p.Pro363=; no amino-acid change (proline 363 retained).
Molecular consequence: synonymous variant.
Genome position (GRCh38, 1-based): chr8:143,934,398, C>T on the plus strand (G>A on the coding strand, the complement: PLEC is on the minus strand). VCF-style: chr8-143934398-C-T. GRCh37 (hg19) VCF-style: chr8-145008566-C-T.
Other names: c.1170G>A, p.Pro390= (NM_000445.5); c.1047G>A, p.Pro349= (NM_201378.4); c.1023G>A, p.Pro341= (NM_201379.3); c.1500G>A, p.Pro500= (NM_201380.4); c.993G>A, p.Pro331= (NM_201381.3); c.1089G>A, p.Pro363= (NM_201382.4); c.1101G>A, p.Pro367= (NM_201383.3).
Identifiers: ClinVar variation 1103128 (VCV001103128.9), dbSNP rs187317826, ClinGen allele CA4928172.

ClinVar aggregate classification (germline): Likely benign. Review status: criteria provided, multiple submitters, no conflicts (2 of 4 stars). 2 submissions from 2 submitters: Likely benign (2). Last evaluated 2026-06-01.

Conditions:
Epidermolysis bullosa simplex, Ogna type (EBS5A). Also called: Pidermolysis bullosa simplex 5A, Ogna type; EPIDERMOLYSIS BULLOSA SIMPLEX 5A, OGNA TYPE. Identifiers: Orphanet 79401, MedGen C0432317, MONDO:0007555, OMIM 131950.
Autosomal recessive limb-girdle muscular dystrophy type 2Q (LGMDR17). Also called: MUSCULAR DYSTROPHY, LIMB-GIRDLE, AUTOSOMAL RECESSIVE 17. Identifiers: Orphanet 254361, MedGen C3150989, MONDO:0013390, OMIM 613723.
Epidermolysis bullosa simplex with nail dystrophy (EBS5D). Identifiers: MedGen C4225309, MONDO:0014661, OMIM 616487.
Epidermolysis bullosa simplex 5C, with pyloric atresia (EBS5C). Also called: PLEC1-Related Epidermolysis Bullosa with Pyloric Atresia; PLEC-Related Epidermolysis Bullosa with Pyloric Atresia; Epidermolysis bullosa simplex with pyloric atresia. Identifiers: Orphanet 158684, MedGen C2677349, MONDO:0012807, OMIM 612138.
Epidermolysis bullosa simplex 5B, with muscular dystrophy (EBS5B). Also called: Epidermolysis bullosa simplex with muscular dystrophy; EPIDERMOLYSIS BULLOSA SIMPLEX AND LIMB-GIRDLE MUSCULAR DYSTROPHY. Identifiers: Orphanet 257, MedGen C2931072, MONDO:0009181, OMIM 226670.

Allele frequency attached by ClinVar (database versions not stated): gnomAD exomes below 0.00001 and 0.00001; ExAC 0.00002; 1000 Genomes Project 30x 0.00031; 1000 Genomes Project 0.00040.
gnomAD v4.1: 7 of 1,612,340 alleles (0.00043%); highest among the groups gnomAD compares: Admixed American, 0.005%; no homozygotes.

Submissions (2):

CeGaT Center for Human Genetics Tuebingen
Classification: Likely benign. Last evaluated: 2026-06-01. Review status: criteria provided, single submitter. Criteria: CeGaT Center For Human Genetics Tuebingen Variant Classification Criteria Version 2. Collection method: clinical testing. Allele origin: germline. Affected: yes. Observed: 1 variant allele.
Comment: PLEC: BP4, BP7

Labcorp Genetics (formerly Invitae), Labcorp
Classification: Likely benign for Autosomal recessive limb-girdle muscular dystrophy type 2Q; Epidermolysis bullosa simplex, Ogna type; Epidermolysis bullosa simplex with nail dystrophy; Epidermolysis bullosa simplex 5C, with pyloric atresia; Epidermolysis bullosa simplex 5B, with muscular dystrophy. Last evaluated: 2023-05-20. Review status: criteria provided, single submitter. Criteria: Invitae Variant Classification Sherloc (09022015). Collection method: clinical testing. Allele origin: germline.